The following is an entry in ClinVar:

NM_000094.4(COL7A1):c.2552G>T (p.Arg851Leu)

Gene: COL7A1 (collagen type VII alpha 1 chain; minus strand). Cytogenetic location: 3p21.31.
Variant type: single nucleotide variant.
Coding change: c.2552G>T on transcript NM_000094.4 (MANE Select); coding-DNA position 2552, G replaced by T.
Protein change: p.Arg851Leu; replaces arginine 851 with leucine.
Molecular consequence: missense variant.
Genome position (GRCh38, 1-based): chr3:48,588,677, C>A on the plus strand (G>T on the coding strand, the complement: COL7A1 is on the minus strand). VCF-style: chr3-48588677-C-A. GRCh37 (hg19) VCF-style: chr3-48626110-C-A.
Other names: short protein forms R851L.
Identifiers: ClinVar variation 3012040 (VCV003012040.3), dbSNP rs202126339, ClinGen allele CA2380856.
Genomic context (GRCh38, chr3:48,588,677, plus strand): 5'-GCTCTCCAGCGCATGCTCTGCCTACGCGTAGTGACAACAATGGAGACAGGTGTGCCCTCG[C>A]GGTCCCCGACAAGTGCAGTCACTCGCACTGAGTAGCTGACTCCACCTTCGAGACCCCGGA-3'
Protein context (NP_000085.1, residues 841-861): SVRVTALVGD[Arg851Leu]EGTPVSIVVT

ClinVar aggregate classification (germline): Uncertain significance (1 of 4 stars; one submission).

gnomAD v4.1: 3 of 1,613,732 alleles (0.00019%); highest among the groups gnomAD compares: Non-Finnish European, 0.00025%; no homozygotes.

Submission:

Labcorp Genetics (formerly Invitae), Labcorp
Classification: Uncertain significance. Last evaluated: 2024-01-29. Review status: criteria provided, single submitter. Criteria: Invitae Variant Classification Sherloc (09022015). Collection method: clinical testing. Allele origin: germline.
Comment: This sequence change replaces arginine, which is basic and polar, with leucine, which is neutral and non-polar, at codon 851 of the COL7A1 protein (p.Arg851Leu). This variant is present in population databases (rs202126339, gnomAD 0.0009%). This variant has not been reported in the literature in individuals affected with COL7A1-related conditions. Advanced modeling of protein sequence and biophysical properties (such as structural, functional, and spatial information, amino acid conservation, physicochemical variation, residue mobility, and thermodynamic stability) performed at Invitae indicates that this missense variant is not expected to disrupt COL7A1 protein function with a negative predictive value of 95%. In summary, the available evidence is currently insufficient to determine the role of this variant in disease. Therefore, it has been classified as a Variant of Uncertain Significance.